The following is an entry in ClinVar:

ClinVar aggregate classification (germline): Uncertain significance (1 of 4 stars; one submission).

Conditions:
Nephronophthisis 16 (NPHP16). Identifiers: Orphanet 655, MedGen C3809320, MONDO:0014158, OMIM 615382.

gnomAD v4.1: 6 of 1,613,892 alleles (0.00037%); highest among the groups gnomAD compares: Middle Eastern, 0.017%; no homozygotes.

Submission:

Labcorp Genetics (formerly Invitae), Labcorp
Classification: Uncertain significance for Nephronophthisis 16. Last evaluated: 2025-06-25. Review status: criteria provided, single submitter. Criteria: Invitae Variant Classification Sherloc (09022015). Collection method: clinical testing. Allele origin: germline.
Comment: This sequence change replaces arginine, which is basic and polar, with glutamine, which is neutral and polar, at codon 461 of the ANKS6 protein (p.Arg461Gln). The frequency data for this variant in the population databases is considered unreliable, as metrics indicate poor data quality at this position in the gnomAD database. This variant has not been reported in the literature in individuals affected with ANKS6-related conditions. An algorithm developed to predict the effect of missense changes on protein structure and function (PolyPhen-2) suggests that this variant is likely to be disruptive. In summary, the available evidence is currently insufficient to determine the role of this variant in disease. Therefore, it has been classified as a Variant of Uncertain Significance.

NM_173551.5(ANKS6):c.1382G>A (p.Arg461Gln)

Gene: ANKS6 (ankyrin repeat and sterile alpha motif domain containing 6; minus strand). Cytogenetic location: 9q22.33.
Variant type: single nucleotide variant.
Coding change: c.1382G>A on transcript NM_173551.5 (MANE Select); coding-DNA position 1382, G replaced by A.
Protein change: p.Arg461Gln; replaces arginine 461 with glutamine.
Molecular consequence: missense variant.
Genome position (GRCh38, 1-based): chr9:98,778,411, C>T on the plus strand (G>A on the coding strand, the complement: ANKS6 is on the minus strand). VCF-style: chr9-98778411-C-T. GRCh37 (hg19) VCF-style: chr9-101540693-C-T.
Other names: short protein forms R461Q.
Identifiers: ClinVar variation 4746927 (VCV004746927.1).